The following is an entry in ClinVar:

NM_004612.4(TGFBR1):c.725G>C (p.Trp242Ser)

Gene: TGFBR1 (transforming growth factor beta receptor 1; plus strand). Cytogenetic location: 9q22.33.
Variant type: single nucleotide variant.
Coding change: c.725G>C on transcript NM_004612.4 (MANE Select); coding-DNA position 725, G replaced by C.
Protein change: p.Trp242Ser; replaces tryptophan 242 with serine.
Molecular consequence: missense variant.
Genome position (GRCh38, 1-based): chr9:99,138,009, G>C. VCF-style: chr9-99138009-G-C. GRCh37 (hg19) VCF-style: chr9-101900291-G-C.
Other names: c.494G>C, p.Trp165Ser (NM_001130916.3); c.737G>C, p.Trp246Ser (NM_001306210.2, NM_001407416.1); c.725G>C, p.Trp242Ser (NM_001407417.1); c.530G>C, p.Trp177Ser (NM_001407418.1, NM_001407419.1, NM_001407420.1 and 1 more transcripts); c.518G>C, p.Trp173Ser (NM_001407423.1, NM_001407424.1, NM_001407425.1 and 8 more transcripts); c.479G>C, p.Trp160Ser (NM_001407436.1); c.248G>C, p.Trp83Ser (NM_001407438.1); short protein forms W160S, W165S, W173S, W177S, W242S, W246S, W83S.
Identifiers: ClinVar variation 1720196 (VCV001720196.6), dbSNP rs1564161816, ClinGen allele CA374229808.

ClinVar aggregate classification (germline): Uncertain significance (1 of 4 stars; one submission).

Conditions:
Familial thoracic aortic aneurysm and aortic dissection (TAAD). Also called: Thoracic aortic aneurysms and dissections. Identifiers: Orphanet 91387, MedGen C4707243, MONDO:0019625.

Submission:

Labcorp Genetics (formerly Invitae), Labcorp
Classification: Uncertain significance for Familial thoracic aortic aneurysm and aortic dissection. Last evaluated: 2022-09-23. Review status: criteria provided, single submitter. Criteria: Invitae Variant Classification Sherloc (09022015). Collection method: clinical testing. Allele origin: germline.
Comment: In summary, the available evidence is currently insufficient to determine the role of this variant in disease. Therefore, it has been classified as a Variant of Uncertain Significance. Advanced modeling of protein sequence and biophysical properties (such as structural, functional, and spatial information, amino acid conservation, physicochemical variation, residue mobility, and thermodynamic stability) performed at Invitae indicates that this missense variant is expected to disrupt TGFBR1 protein function. This variant has not been reported in the literature in individuals affected with TGFBR1-related conditions. This variant is not present in population databases (gnomAD no frequency). This sequence change replaces tryptophan, which is neutral and slightly polar, with serine, which is neutral and polar, at codon 242 of the TGFBR1 protein (p.Trp242Ser).